The following is an entry in ClinVar:

ClinVar aggregate classification (germline): Uncertain significance (1 of 4 stars; one submission).

Conditions:
Vici syndrome (VICIS). Identifiers: Orphanet 1493, MedGen C1855772, MONDO:0009452, OMIM 242840.

Allele frequency attached by ClinVar (database versions not stated): gnomAD exomes below 0.00001 and 0.00001; gnomAD 0.00007 and 0.00008; TOPMed 0.00007; ESP Exome Variant Server 0.00008.
gnomAD v4.1: 31 of 1,613,318 alleles (0.0019%); highest among the groups gnomAD compares: African/African-American, 0.039%; no homozygotes.

Submission:

Labcorp Genetics (formerly Invitae), Labcorp
Classification: Uncertain significance for Vici syndrome. Last evaluated: 2024-10-29. Review status: criteria provided, single submitter. Criteria: Invitae Variant Classification Sherloc (09022015). Collection method: clinical testing. Allele origin: germline.
Comment: This sequence change falls in intron 3 of the EPG5 gene. It does not directly change the encoded amino acid sequence of the EPG5 protein. It affects a nucleotide within the consensus splice site. This variant is present in population databases (rs375372125, gnomAD 0.01%). This variant has not been reported in the literature in individuals affected with EPG5-related conditions. ClinVar contains an entry for this variant (Variation ID: 641715). Variants that disrupt the consensus splice site are a relatively common cause of aberrant splicing (PMID: 17576681, 9536098). Algorithms developed to predict the effect of sequence changes on RNA splicing suggest that this variant is not likely to affect RNA splicing. In summary, the available evidence is currently insufficient to determine the role of this variant in disease. Therefore, it has been classified as a Variant of Uncertain Significance.

Literature cited by the submitters: PubMed 17576681; PubMed 9536098.

NM_020964.3(EPG5):c.1252+5G>C

Gene: EPG5 (ectopic P-granules 5 autophagy tethering factor; minus strand). Cytogenetic location: 18q21.1.
Variant type: single nucleotide variant.
Coding change: c.1252+5G>C on transcript NM_020964.3 (MANE Select); 5 bases into the intron after coding-DNA position 1252, G replaced by C.
Molecular consequence: intron variant.
Genome position (GRCh38, 1-based): chr18:45,952,395, C>G on the plus strand (G>C on the coding strand, the complement: EPG5 is on the minus strand). VCF-style: chr18-45952395-C-G. GRCh37 (hg19) VCF-style: chr18-43532361-C-G.
Other names: c.1252+5G>C (LRG_1234t1).
Identifiers: ClinVar variation 641715 (VCV000641715.6), dbSNP rs375372125, ClinGen allele CA299790599.